The following is an entry in ClinVar:

ClinVar aggregate classification (germline): Pathogenic. Review status: reviewed by expert panel (3 of 4 stars). 2 submissions from 2 submitters: Pathogenic (1). 1 of the submissions does not count toward it. Last evaluated 2024-03-26.

Conditions:
Hereditary thrombocytopenia and hematologic cancer predisposition syndrome. Identifiers: Orphanet 71290, MedGen CN281654, MONDO:0011071.
Hereditary thrombocytopenia and hematological cancer predisposition syndrome associated with RUNX1. Also called: Familial Platelet Disorder with Propensity to Acute Myelogenous Leukemia; Familial thrombocytopenia with propensity to acute myelogenous leukemia; PLATELET DISORDER, ASPIRIN-LIKE; RUNX1 Familial Platelet Disorder with Associated Myeloid Malignancies. Identifiers: Orphanet 71290, MedGen C1832388, MeSH C563324, MONDO:0100083, OMIM 601399.

Submissions (2):

ClinGen Myeloid Malignancy Variant Curation Expert Panel
Classification: Pathogenic for Hereditary thrombocytopenia and hematologic cancer predisposition syndrome. Last evaluated: 2024-03-26. Review status: reviewed by expert panel. Criteria: ClinGen MyeloMalig ACMG Specifications v2. Collection method: curation. Allele origin: germline. Inheritance: Autosomal dominant inheritance.
Comment: The NM_001754.5(RUNX1):c.505dup (p.Arg169LysfsTer?) is a frameshift variant in a gene in which loss-of-function is an established mechanism (Frameshift (+1); c.98-c.779 as per VCEP specifications) (PVS1). The variant affects the R169 amino acid residue within the RHD (PM1). This variant is completely absent from all population databases with at least 20x coverage for RUNX1 (PM2_Supporting). This frameshift variant is downstream of c.98 in transcript NM_001754.4 (PM5_Supporting). In summary, this variant meets the criteria to be classified as pathogenic. ACMG/AMP criteria applied, as specified by the Myeloid Malignancy Variant Curation Expert Panel for RUNX1: PVS1, PM1, PM2_supporting, PM5_supporting.

Labcorp Genetics (formerly Invitae), Labcorp
Classification: Pathogenic for Hereditary thrombocytopenia and hematological cancer predisposition syndrome associated with RUNX1. Last evaluated: 2025-01-15. Review status: criteria provided, single submitter. Criteria: Invitae Variant Classification Sherloc (09022015). Collection method: clinical testing. Allele origin: germline. Not counted in ClinVar's aggregate classification.
Comment: This sequence change creates a premature translational stop signal (p.Arg169Lysfs*44) in the RUNX1 gene. It is expected to result in an absent or disrupted protein product. Loss-of-function variants in RUNX1 are known to be pathogenic (PMID: 18723428, 24100448). This variant is not present in population databases (gnomAD no frequency). This variant has not been reported in the literature in individuals affected with RUNX1-related conditions. ClinVar contains an entry for this variant (Variation ID: 1996224). For these reasons, this variant has been classified as Pathogenic.

Literature cited by the submitters: PubMed 18723428 (cited by Labcorp Genetics (formerly Invitae), Labcorp); PubMed 24100448 (cited by Labcorp Genetics (formerly Invitae), Labcorp).

NM_001754.5(RUNX1):c.505dup (p.Arg169fs)

Genes: RUNX1 (RUNX family transcription factor 1; minus strand), RUNX1-AS1 (RUNX1 antisense RNA 1; plus strand). Cytogenetic location: 21q22.12.
Variant type: Duplication.
Coding change: c.505dup on transcript NM_001754.5 (MANE Select); coding-DNA position 505, one base duplicated (A; older notation c.505dupA).
Protein change: p.Arg169fs; shifts the reading frame from arginine 169.
Molecular consequence: frameshift variant.
Genome position (GRCh38, 1-based): chr21:34,880,560, T duplicated on the plus strand (A on the coding strand, the reverse complement: RUNX1 is on the minus strand); the first of 2 consecutive T bases (chr21:34,880,560-34,880,561); duplicating either gives the same sequence. VCF-style (leftmost placement, unchanged base first): chr21-34880559-C-CT. GRCh37 (hg19) VCF-style: chr21-36252856-C-CT.
Other names: NM_001754.5(RUNX1):c.505dup; p.Arg169fs; c.424dup, p.Arg142fs (NM_001001890.3, NM_001122607.2); short protein forms R169fs, R142fs.
Identifiers: ClinVar variation 1996224 (VCV001996224.5), dbSNP rs2517436589, ClinGen allele CA645607320.